The following is an entry in ClinVar:

ClinVar aggregate classification (germline): Uncertain significance (1 of 4 stars; one submission).

Conditions:
Epilepsy. Also called: Seizure disorder. Identifiers: MedGen C0014544, MeSH D004827, MONDO:0005027.

Submission:

Labcorp Genetics (formerly Invitae), Labcorp
Classification: Uncertain significance for Epilepsy. Last evaluated: 2022-04-08. Review status: criteria provided, single submitter. Criteria: Invitae Variant Classification Sherloc (09022015). Collection method: clinical testing. Allele origin: germline.
Comment: In summary, the available evidence is currently insufficient to determine the role of this variant in disease. Therefore, it has been classified as a Variant of Uncertain Significance. Algorithms developed to predict the effect of missense changes on protein structure and function are either unavailable or do not agree on the potential impact of this missense change (SIFT: "Deleterious"; PolyPhen-2: "Probably Damaging"; Align-GVGD: "Class C0"). This variant has not been reported in the literature in individuals affected with PIGQ-related conditions. This variant is not present in population databases (gnomAD no frequency). This sequence change replaces valine, which is neutral and non-polar, with phenylalanine, which is neutral and non-polar, at codon 404 of the PIGQ protein (p.Val404Phe).

NM_004204.5(PIGQ):c.1210G>T (p.Val404Phe)

Gene: PIGQ (phosphatidylinositol glycan anchor biosynthesis class Q; plus strand). Cytogenetic location: 16p13.3.
Variant type: single nucleotide variant.
Coding change: c.1210G>T on transcript NM_004204.5 (MANE Select); coding-DNA position 1210, G replaced by T.
Protein change: p.Val404Phe; replaces valine 404 with phenylalanine.
Molecular consequence: missense variant.
Genome position (GRCh38, 1-based): chr16:578,925, G>T. VCF-style: chr16-578925-G-T. GRCh37 (hg19) VCF-style: chr16-628925-G-T.
Other names: c.1210G>T, p.Val404Phe (NM_148920.4); short protein forms V404F.
Identifiers: ClinVar variation 2122985 (VCV002122985.4), dbSNP rs558909404, ClinGen allele CA394057375.